The following is an entry in ClinVar:

NM_001927.4(DES):c.1243C>T (p.Arg415Trp)

Gene: DES (desmin; plus strand). Cytogenetic location: 2q35.
Variant type: single nucleotide variant.
Coding change: c.1243C>T on transcript NM_001927.4 (MANE Select); coding-DNA position 1243, C replaced by T.
Protein change: p.Arg415Trp; replaces arginine 415 with tryptophan.
Molecular consequence: missense variant.
Genome position (GRCh38, 1-based): chr2:219,421,559, C>T. VCF-style: chr2-219421559-C-T. GRCh37 (hg19) VCF-style: chr2-220286281-C-T.
Other names: p.R415W:CGG>TGG; NM_001382713.1:c.973C>T; c.1243C>T (LRG_380t1); short protein forms R415W.
Identifiers: ClinVar variation 201709 (VCV000201709.35), dbSNP rs751942358, ClinGen allele CA308281.

ClinVar aggregate classification (germline): Conflicting classifications of pathogenicity. Review status: criteria provided, conflicting classifications (1 of 4 stars). 12 submissions from 12 submitters: Likely pathogenic (2); Uncertain significance (10). Last evaluated 2026-08-12.

Conditions:
DES-related disorder. Also called: DES-related condition.
Desmin-related myofibrillar myopathy (MFM1). Also called: MYOFIBRILLAR MYOPATHY WITH ARRHYTHMOGENIC RIGHT VENTRICULAR CARDIOMYOPATHY; DESMIN-RELATED MYOPATHY WITH ARRHYTHMOGENIC RIGHT VENTRICULAR CARDIOMYOPATHY; Myofibrillar myopathy 1; Desminopathy; Desmin related myopathy (former name); Desmin storage myopathy (former name). Identifiers: Orphanet 363543, Orphanet 98909, MedGen C1832370, MONDO:0011076, OMIM 601419.
Dilated cardiomyopathy 1I (CMD1I). Identifiers: Orphanet 154, MedGen C1858154, MONDO:0011482, OMIM 604765.
Cardiovascular phenotype. Identifiers: MedGen CN230736.
Neurogenic scapuloperoneal syndrome, Kaeser type (SCPNK). Also called: KAESER SYNDROME. Identifiers: Orphanet 85146, MedGen C1867005, MONDO:0008407, OMIM 181400.

Allele frequency attached by ClinVar (database versions not stated): TOPMed 0.00001; gnomAD exomes 0.00002 and 0.00005; ExAC 0.00003; gnomAD 0.00004.

Submissions 1 to 7 of 12:

Broad Center for Mendelian Genomics, Broad Institute of MIT and Harvard
Classification: Uncertain significance for Desmin-related myofibrillar myopathy. Last evaluated: 2026-08-12. Review status: criteria provided, single submitter. Criteria: ACMG Guidelines, 2015. Collection method: research. Allele origin: germline. Inheritance: Autosomal dominant inheritance. Study: GREGoR Consortium.
Comment: The p.Arg415Trp variant in DES has been reported in at least 10 individuals with myopathy, lower limb weakness, sudden cardiac death, or cardiomyopathy (PMID: 19181099, DOI:10.33425/2689-1077.1003, PMID: 38727660, PMID: 40604581, PMID: 29382405, PMID: 29997562), and has been identified in 0.017% (1/5914) of Middle Eastern chromosomes by the Genome Aggregation Database (gnomAD; dbSNP rs751942358). Although this variant has been seen in the general population in a heterozygous state, its frequency is not high enough to rule out a pathogenic role. This variant has been reported in ClinVar (Variation ID: 201709) and has been interpreted as a variant of uncertain significance by 8 submitters, and likely pathogenic by Institute of Human Genetics, Heidelberg University. The number of reported affected individuals with this variant is greater than expected compared to non-affected individuals with this variant. Computational prediction tools and conservation analyses suggest that this variant may impact the protein, though this information is not predictive enough to determine pathogenicity. In summary, the clinical significance of the p.Arg415Trp variant in DES is uncertain. ACMG/AMP Critera applied: PP3, PS4_moderate (Richards 2015).

PreventionGenetics, part of Exact Sciences
Classification: Likely pathogenic for DES-related condition. Last evaluated: 2026-06-16. Review status: criteria provided, single submitter. Criteria: ACMG Guidelines, 2015. Collection method: clinical testing. Allele origin: germline.
Comment: The DES c.1243C>T variant is predicted to result in the amino acid substitution p.Arg415Trp. This variant has been reported in at least fifteen individuals with late-onset desminopathy with variable presentation that includes myofibrillar myopathy, arrhythmogenic cardiomyopathy, and isolated restrictive respiratory failure (Goldfarb et al. 2008. PubMed ID: 19181099; Clemen et al. 2013. PubMed ID: 23143191; Bugiardini et al. 2018. PubMed ID: 29997562; Wu et al. 2018. PubMed ID: 29382405; Khorasanizadeh et al. 2019. Genet Mol Med. 1(1):1-6; Bermudez-Jimenez et al. 2024. PubMed ID: 38727660; Alonso-Pérez et al. 2025. PubMed ID: 40523712). Muscle biopsy results from many of these patients showed cytoplasmic aggregates immunoreactive for desmin (Khorasanizadeh et al. 2019. Genet Mol Med. 1(1):1-6; Alonso-Pérez et al. 2025. PubMed ID: 40523712). This variant has also been reported in the homozygous state in pediatric-onset cardiomyopathy (Savostyanov et al. 2021. doi: 10.15829/1560-4071-2021-4590; Wang et al. 2025. PubMed ID: 40604581). The heterozygous parents and grandparents in one study were stated to be asymptomatic of cardiac or muscle related features, which suggests incomplete penetrance or subclinical features (Wang et al. 2025. PubMed ID: 40604581). At PreventionGenetics, we have observed this variant in additional unrelated individuals with features of late-onset desminopathy (internal data). In vitro studies expressing this variant in independent cell lines did not demonstrate an impact on filament assembly (Bermudez-Jimenez et al. 2024. PubMed ID: 38727660). This variant is reported in 0.0050% of alleles in individuals of East Asian descent in gnomAD. Of note, another missense change impacting the same amino acid [c.1244G>A (p.Arg415Gln)] has been reported in individuals with cardiomyopathy (see for example: Bermudez-Jimenez et al. 2024. PubMed ID: 38727660). Taken together, we interpret the c.1243C>T (p.Arg415Trp) variant as likely pathogenic for both autosomal recessive and dominant DES-related disorders with incomplete penetrance in the heterozygous state.

Labcorp Genetics (formerly Invitae), Labcorp
Classification: Uncertain significance for Desmin-related myofibrillar myopathy. Last evaluated: 2026-01-06. Review status: criteria provided, single submitter. Criteria: Invitae Variant Classification Sherloc (09022015). Collection method: clinical testing. Allele origin: germline.
Comment: This sequence change replaces arginine, which is basic and polar, with tryptophan, which is neutral and slightly polar, at codon 415 of the DES protein (p.Arg415Trp). This variant is present in population databases (rs751942358, gnomAD 0.005%). This missense change has been observed in individual(s) with clinical features of DES-related conditions (PMID: 19181099, 29382405, 29997562, 38727660). ClinVar contains an entry for this variant (Variation ID: 201709). Invitae Evidence Modeling of protein sequence and biophysical properties (such as structural, functional, and spatial information, amino acid conservation, physicochemical variation, residue mobility, and thermodynamic stability) indicates that this missense variant is expected to disrupt DES protein function with a positive predictive value of 95%. Experimental studies have shown that this missense change does not substantially affect DES function (PMID: 38727660). In summary, the available evidence is currently insufficient to determine the role of this variant in disease. Therefore, it has been classified as a Variant of Uncertain Significance.

Institute of Human Genetics, Heidelberg University
Classification: Likely pathogenic for Dilated cardiomyopathy 1I; Desmin-related myofibrillar myopathy. Last evaluated: 2025-10-24. Review status: criteria provided, single submitter. Criteria: ACMG Guidelines, 2015. Collection method: clinical testing. Allele origin: maternal. Affected: no. Observed: 2 variant alleles.
Comment: PM1; PP3_mod;PM2_supp; PS4_mod

Women's Health and Genetics/Laboratory Corporation of America, LabCorp
Classification: Uncertain significance. Last evaluated: 2025-04-15. Review status: criteria provided, single submitter. Criteria: LabCorp Variant Classification Summary - May 2015. Collection method: clinical testing. Allele origin: germline.
Comment: Variant summary: DES c.1243C>T (p.Arg415Trp) results in a non-conservative amino acid change in the encoded protein sequence. Three of three in-silico tools predict a damaging effect of the variant on protein function. Several computational tools predict a significant impact on normal splicing: Three predict the variant weakens a 5' donor site. One predict the variant has no significant impact on splicing. However, these predictions have yet to be confirmed by functional studies. The variant allele was found at a frequency of 1.6e-05 in 250268 control chromosomes. The available data on variant occurrences in the general population are insufficient to allow any conclusion about variant significance. c.1243C>T has been observed in the heterozygous state in individual(s) affected with or suspected of autosomal dominant Desmin-Related Myofibrillar Myopathy, without strong evidence (i.e. segregation data) of causality (e.g. Goldfarb_2008, Khorasanizadeh_2019, Bugiardini_2018, Wu_2018). It has also been reported in individual(s) with Arrhythmogenic Cardiomyopathy (e.g. Bermudez-Jimenez_2024) These reports do not provide unequivocal conclusions about association of the variant with autosomal dominant Desmin-Related Myofibrillar Myopathy. At least one publication reports experimental evidence evaluating an impact on protein function. These results showed the variant did not result in abnormal DES filaments or cytoplasmic aggregates in vitro, and formed comparable filamentous structures to the wild-type DES (Bermudez-Jimenez_2024). The following publications have been ascertained in the context of this evaluation (PMID: 19181099, 29997562, 29382405, 38727660).ClinVar contains an entry for this variant (Variation ID: 201709). Based on the evidence outlined above, the variant was classified as uncertain significance.

Molecular Diagnostic Laboratory for Inherited Cardiovascular Disease, Montreal Heart Institute
Classification: Uncertain significance for Cardiovascular phenotype. Last evaluated: 2025-04-09. Review status: criteria provided, single submitter. Criteria: ACMG Guidelines, 2015. Collection method: clinical testing. Allele origin: germline. Affected: yes.

GeneDx
Classification: Uncertain significance. Last evaluated: 2023-10-30. Review status: criteria provided, single submitter. Criteria: GeneDx Variant Classification Process June 2021. Collection method: clinical testing. Allele origin: germline. Affected: yes.
Comment: Reported in association with skeletal myopathy and muscle weakness (PMID: 19181099, 29997562; Khorasanizadeh et al., 2019, Genet Mol Med; Carbunar et al., 2023, RRNMF Neuromuscular Journal); In silico analysis supports that this missense variant has a deleterious effect on protein structure/function; This variant is associated with the following publications: (PMID: 19587455, 23143191, 16401858, 29997562, Khorasanizadeh_article_2019, 19181099, Olimpia_2023)